The following is an entry in ClinVar:

NM_000135.4(FANCA):c.403G>A (p.Val135Met)

Gene: FANCA (FA complementation group A; minus strand). Cytogenetic location: 16q24.3.
Variant type: single nucleotide variant.
Coding change: c.403G>A on transcript NM_000135.4 (MANE Select); coding-DNA position 403, G replaced by A.
Protein change: p.Val135Met; replaces valine 135 with methionine.
Molecular consequence: missense variant.
Genome position (GRCh38, 1-based): chr16:89,810,952, C>T on the plus strand (G>A on the coding strand, the complement: FANCA is on the minus strand). VCF-style: chr16-89810952-C-T. GRCh37 (hg19) VCF-style: chr16-89877360-C-T.
Other names: c.403G>A, p.Val135Met (NM_001286167.3, NM_001351830.2, NM_001018112.3); short protein forms V135M.
Identifiers: ClinVar variation 4824588 (VCV004824588.1).

ClinVar aggregate classification (germline): Uncertain significance (1 of 4 stars; one submission).

Conditions:
Inborn genetic diseases. Identifiers: MedGen C0950123, MeSH D030342.

gnomAD v4.1: 1 of 1,614,162 alleles (0.000062%); highest among the groups gnomAD compares: Non-Finnish European, 0.000085%; no homozygotes.

Submission:

Ambry Genetics
Classification: Uncertain significance for Inborn genetic diseases. Last evaluated: 2026-01-22. Review status: criteria provided, single submitter. Criteria: Ambry Variant Classification Scheme 2023. Collection method: clinical testing. Allele origin: germline.
Comment: The p.V135M variant (also known as c.403G>A), located in coding exon 4 of the FANCA gene, results from a G to A substitution at nucleotide position 403. The valine at codon 135 is replaced by methionine, an amino acid with highly similar properties. This amino acid position is conserved. In addition, this alteration is predicted to be tolerated by in silico analysis. Based on the available evidence, the clinical significance of this variant remains unclear.